The following is an entry in ClinVar:

ClinVar aggregate classification (germline): Pathogenic (1 of 4 stars; one submission).

Conditions:
Spongy degeneration of central nervous system. Also called: ACY2 DEFICIENCY; AMINOACYLASE 2 DEFICIENCY; ASP DEFICIENCY; ASPA DEFICIENCY; ASPARTOACYLASE DEFICIENCY; CANAVAN-VAN BOGAERT-BERTRAND DISEASE. Identifiers: Orphanet 141, MedGen C0206307, MONDO:0010079, OMIM 271900.

Submission:

Labcorp Genetics (formerly Invitae), Labcorp
Classification: Pathogenic for Spongy degeneration of central nervous system. Last evaluated: 2021-10-03. Review status: criteria provided, single submitter. Criteria: Invitae Variant Classification Sherloc (09022015). Collection method: clinical testing. Allele origin: germline.
Comment: For these reasons, this variant has been classified as Pathogenic. This variant has not been reported in the literature in individuals affected with ASPA-related conditions. This variant is not present in population databases (ExAC no frequency). This sequence change creates a premature translational stop signal (p.Gln12*) in the ASPA gene. It is expected to result in an absent or disrupted protein product. Loss-of-function variants in ASPA are known to be pathogenic (PMID: 12638939).

Literature cited by the submitters: PubMed 12638939.

NM_000049.4(ASPA):c.34C>T (p.Gln12Ter)

Genes: ASPA (aspartoacylase; plus strand), SPATA22 (spermatogenesis associated 22; minus strand). Cytogenetic location: 17p13.2.
Variant type: single nucleotide variant.
Coding change: c.34C>T on transcript NM_000049.4 (MANE Select); coding-DNA position 34, C replaced by T.
Protein change: p.Gln12Ter; replaces glutamine 12 with a stop codon.
Molecular consequence: nonsense. On other transcripts: intron variant (2).
Genome position (GRCh38, 1-based): chr17:3,476,193, C>T. VCF-style: chr17-3476193-C-T. GRCh37 (hg19) VCF-style: chr17-3379487-C-T.
Other names: c.34C>T, p.Gln12Ter (NM_001128085.1); c.-73-6795G>A (NM_001321336.2, NM_001321337.2); short protein forms Q12*.
Identifiers: ClinVar variation 1420788 (VCV001420788.7), dbSNP rs2150741666, ClinGen allele CA397681068.